The following is an entry in ClinVar:

NM_031407.7(HUWE1):c.8288G>C (p.Gly2763Ala)

Gene: HUWE1 (HECT, UBA and WWE domain containing E3 ubiquitin protein ligase 1; minus strand). Cytogenetic location: Xp11.22.
Variant type: single nucleotide variant.
Coding change: c.8288G>C on transcript NM_031407.7 (MANE Select); coding-DNA position 8288, G replaced by C.
Protein change: p.Gly2763Ala; replaces glycine 2763 with alanine.
Molecular consequence: missense variant.
Genome position (GRCh38, 1-based): chrX:53,554,839, C>G on the plus strand (G>C on the coding strand, the complement: HUWE1 is on the minus strand). VCF-style: chrX-53554839-C-G. GRCh37 (hg19) VCF-style: chrX-53581800-C-G.
Other names: c.8285G>C, p.Gly2762Ala (NM_001441048.1, NM_001441051.1, NM_001441053.1 and 2 more transcripts); c.8288G>C, p.Gly2763Ala (NM_001441049.1, NM_001441054.1, NM_001441057.1); c.8309G>C, p.Gly2770Ala (NM_001441050.1, NM_001441055.1); c.7886G>C, p.Gly2629Ala (NM_001441052.1); short protein forms G2763A, G2770A, G2629A, G2762A.
Identifiers: ClinVar variation 4762466 (VCV004762466.1).

ClinVar aggregate classification (germline): Uncertain significance (1 of 4 stars; one submission).

Submission:

Labcorp Genetics (formerly Invitae), Labcorp
Classification: Uncertain significance. Last evaluated: 2025-02-12. Review status: criteria provided, single submitter. Criteria: Invitae Variant Classification Sherloc (09022015). Collection method: clinical testing. Allele origin: germline.
Comment: This sequence change replaces glycine, which is neutral and non-polar, with alanine, which is neutral and non-polar, at codon 2763 of the HUWE1 protein (p.Gly2763Ala). This variant is not present in population databases (gnomAD no frequency). This variant has not been reported in the literature in individuals affected with HUWE1-related conditions. Invitae Evidence Modeling of protein sequence and biophysical properties (such as structural, functional, and spatial information, amino acid conservation, physicochemical variation, residue mobility, and thermodynamic stability) indicates that this missense variant is not expected to disrupt HUWE1 protein function with a negative predictive value of 95%. In summary, the available evidence is currently insufficient to determine the role of this variant in disease. Therefore, it has been classified as a Variant of Uncertain Significance.